The following is an entry in ClinVar:

ClinVar aggregate classification (germline): Uncertain significance (1 of 4 stars; one submission).

gnomAD v4.1: 18 of 1,613,414 alleles (0.0011%); highest among the groups gnomAD compares: Middle Eastern, 0.16%; no homozygotes.

Submission:

GeneDx
Classification: Uncertain significance. Last evaluated: 2024-09-15. Review status: criteria provided, single submitter. Criteria: GeneDx Variant Classification Process June 2021. Collection method: clinical testing. Allele origin: germline. Affected: yes.
Comment: In silico analysis indicates that this missense variant does not alter protein structure/function; Has not been previously published as pathogenic or benign to our knowledge

NM_032485.6(MCM8):c.137A>G (p.Lys46Arg)

Gene: MCM8 (minichromosome maintenance 8 homologous recombination repair factor; plus strand). Cytogenetic location: 20p12.3.
Variant type: single nucleotide variant.
Coding change: c.137A>G on transcript NM_032485.6 (MANE Select); coding-DNA position 137, A replaced by G.
Protein change: p.Lys46Arg; replaces lysine 46 with arginine.
Molecular consequence: missense variant.
Genome position (GRCh38, 1-based): chr20:5,952,152, A>G. VCF-style: chr20-5952152-A-G. GRCh37 (hg19) VCF-style: chr20-5932798-A-G.
Other names: c.137A>G, p.Lys46Arg (NM_001281520.2, NM_001281521.2, NM_001281522.2 and 1 more transcripts); short protein forms K46R.
Identifiers: ClinVar variation 3770053 (VCV003770053.1).
Genomic context (GRCh38, chr20:5,952,152, plus strand): 5'-ACTTCTCAGGAAAATGGAGAGAAAGAGAACACAGACCTGATCTGAGTAAAACCACAGGAA[A>G]ACGTACTTCTGGTAGGTGAGGTCAATGATTGTTCAATTTTTTTCACTTAAGGAAGCAATT-3'
Protein context (NP_115874.3, residues 36-56): HRPDLSKTTG[Lys46Arg]RTSEQTPQFL